The following is an entry in ClinVar:

NM_000439.5(PCSK1):c.1919C>A (p.Thr640Asn)

Genes: CAST (calpastatin; plus strand), PCSK1 (proprotein convertase subtilisin/kexin type 1; minus strand), LOC101929710 (uncharacterized LOC101929710; plus strand). Cytogenetic location: 5q15.
Variant type: single nucleotide variant.
Coding change: c.1919C>A on transcript NM_000439.5 (MANE Select); coding-DNA position 1919, C replaced by A.
Protein change: p.Thr640Asn; replaces threonine 640 with asparagine.
Molecular consequence: missense variant. On other transcripts: intron variant (11).
Genome position (GRCh38, 1-based): chr5:96,393,344, G>T on the plus strand (C>A on the coding strand, the complement: PCSK1 is on the minus strand). VCF-style: chr5-96393344-G-T. GRCh37 (hg19) VCF-style: chr5-95729048-G-T.
Other names: c.1778C>A, p.Thr593Asn (NM_001177875.2); c.-175+13692G>T (NM_001423254.1, NM_001423259.1, NM_001423255.1 and 6 more transcripts); c.-103+13692G>T (NM_001423253.1); c.-40+13692G>T (NM_001423258.1); short protein forms T640N, T593N.
Identifiers: ClinVar variation 4989498 (VCV004989498.1).

ClinVar aggregate classification (germline): Uncertain significance (1 of 4 stars; one submission).

Conditions:
PCSK1-related disorder. Also called: PCSK1-related condition.

gnomAD v4.1: 3 of 1,613,966 alleles (0.00019%); highest among the groups gnomAD compares: African/African-American, 0.004%; no homozygotes.

Submission:

PreventionGenetics, part of Exact Sciences
Classification: Uncertain significance for PCSK1-related condition. Last evaluated: 2025-05-19. Review status: criteria provided, single submitter. Criteria: ACMG Guidelines, 2015. Collection method: clinical testing. Allele origin: germline.
Comment: The PCSK1 c.1919C>A variant is predicted to result in the amino acid substitution p.Thr640Asn. This variant was observed in a cohort of individuals with obesity, and in vitro functional studies showed inconclusive evidence of loss of function (Supplemental Data Set, Shah et al. 2023. PubMed ID: 36864747). This variant is reported in 0.0082% of alleles in individuals of African descent in gnomAD. At this time, the clinical significance of this variant is uncertain due to the absence of conclusive functional and genetic evidence.